The following is an entry in ClinVar:

ClinVar aggregate classification (germline): Conflicting classifications of pathogenicity. Review status: criteria provided, conflicting classifications (1 of 4 stars). 4 submissions from 4 submitters: Uncertain significance (2); Likely benign (1). 1 of the submissions does not count toward it. Last evaluated 2025-03-17.

Conditions:
CRB2-related disorder. Also called: CRB2-related condition; CRB2-related disorders.

Allele frequency attached by ClinVar (database versions not stated): gnomAD 0.00004; ExAC 0.00025; TOPMed 0.00008; gnomAD exomes 0.00027.

Submissions (4):

Labcorp Genetics (formerly Invitae), Labcorp
Classification: Likely benign. Last evaluated: 2025-03-17. Review status: criteria provided, single submitter. Criteria: Invitae Variant Classification Sherloc (09022015). Collection method: clinical testing. Allele origin: germline.

GeneDx
Classification: Uncertain significance. Last evaluated: 2024-11-11. Review status: criteria provided, single submitter. Criteria: GeneDx Variant Classification Process June 2021. Collection method: clinical testing. Allele origin: germline. Affected: yes.
Comment: In silico analysis indicates that this missense variant does not alter protein structure/function; Has not been previously published as pathogenic or benign to our knowledge

Revvity Omics, Revvity
Classification: Uncertain significance. Last evaluated: 2019-05-14. Review status: criteria provided, single submitter. Criteria: ACMG Guidelines, 2015. Collection method: clinical testing. Allele origin: germline.

PreventionGenetics, part of Exact Sciences
Classification: Likely benign for CRB2-related condition. Last evaluated: 2024-03-01. Review status: no assertion criteria provided. Collection method: clinical testing. Allele origin: germline. Not counted in ClinVar's aggregate classification.
Comment: This variant is classified as likely benign based on ACMG/AMP sequence variant interpretation guidelines (Richards et al. 2015 PMID: 25741868, with internal and published modifications).

NM_173689.7(CRB2):c.2416G>A (p.Val806Ile)

Gene: CRB2 (crumbs cell polarity complex component 2; plus strand). Cytogenetic location: 9q33.3.
Variant type: single nucleotide variant.
Coding change: c.2416G>A on transcript NM_173689.7 (MANE Select); coding-DNA position 2416, G replaced by A.
Protein change: p.Val806Ile; replaces valine 806 with isoleucine.
Molecular consequence: missense variant. On other transcripts: non-coding transcript variant (1).
Genome position (GRCh38, 1-based): chr9:123,371,558, G>A. VCF-style: chr9-123371558-G-A. GRCh37 (hg19) VCF-style: chr9-126133837-G-A.
Other names: c.2416G>A (NM_173689.6); short protein forms V806I.
Identifiers: ClinVar variation 1569086 (VCV001569086.13), dbSNP rs560877883, ClinGen allele CA5232194.
Genomic context (GRCh38, chr9:123,371,558, plus strand): 5'-AACTCAAGCCAGCCCAGCGAGCTCGGCGGCAGGCAGTCCTGGAACCTCACTGCGGGCTGC[G>A]TCTCCGAGGACATGTGCAGTGTAAGTGTCTGGTGGCGGTGGTGGTGGTGGGGTGGGGAGT-3'
Protein context (NP_775960.4, residues 796-816): RQSWNLTAGC[Val806Ile]SEDMCSPDPC